The following is an entry in ClinVar:

NM_001367561.1(DOCK7):c.5783G>T (p.Arg1928Ile)

Gene: DOCK7 (dedicator of cytokinesis 7; minus strand). Cytogenetic location: 1p31.3.
Variant type: single nucleotide variant.
Coding change: c.5783G>T on transcript NM_001367561.1 (MANE Select); coding-DNA position 5783, G replaced by T.
Protein change: p.Arg1928Ile; replaces arginine 1928 with isoleucine.
Molecular consequence: missense variant.
Genome position (GRCh38, 1-based): chr1:62,475,885, C>A on the plus strand (G>T on the coding strand, the complement: DOCK7 is on the minus strand). VCF-style: chr1-62475885-C-A. GRCh37 (hg19) VCF-style: chr1-62941556-C-A.
Other names: c.5750G>T, p.Arg1917Ile (NM_001271999.2); c.5663G>T, p.Arg1888Ile (NM_001272000.2); c.5657G>T, p.Arg1886Ile (NM_001272001.2); c.5756G>T, p.Arg1919Ile (NM_001330614.2); c.5690G>T, p.Arg1897Ile (NM_033407.4); short protein forms R1886I, R1897I, R1919I, R1917I, R1888I, R1928I.
Identifiers: ClinVar variation 847514 (VCV000847514.7), dbSNP rs773394486, ClinGen allele CA885354.

ClinVar aggregate classification (germline): Uncertain significance (1 of 4 stars; one submission).

Conditions:
Developmental and epileptic encephalopathy, 23 (DEE23). Also called: Epileptic encephalopathy, early infantile, 23. Identifiers: Orphanet 411986, MedGen C4014492, MONDO:0014371, OMIM 615859.

Allele frequency attached by ClinVar (database versions not stated): gnomAD exomes below 0.00001 and 0.00001; TOPMed below 0.00001; ExAC 0.00001; gnomAD 0.00001.
gnomAD v4.1: 15 of 1,613,900 alleles (0.00093%); highest among the groups gnomAD compares: Non-Finnish European, 0.0013%; no homozygotes.

Submission:

Labcorp Genetics (formerly Invitae), Labcorp
Classification: Uncertain significance for Developmental and epileptic encephalopathy, 23. Last evaluated: 2022-09-07. Review status: criteria provided, single submitter. Criteria: Invitae Variant Classification Sherloc (09022015). Collection method: clinical testing. Allele origin: germline.
Comment: This sequence change replaces arginine, which is basic and polar, with isoleucine, which is neutral and non-polar, at codon 1917 of the DOCK7 protein (p.Arg1917Ile). This variant is present in population databases (rs773394486, gnomAD 0.0009%). This variant has not been reported in the literature in individuals affected with DOCK7-related conditions. ClinVar contains an entry for this variant (Variation ID: 847514). Algorithms developed to predict the effect of missense changes on protein structure and function (SIFT, PolyPhen-2, Align-GVGD) all suggest that this variant is likely to be disruptive. In summary, the available evidence is currently insufficient to determine the role of this variant in disease. Therefore, it has been classified as a Variant of Uncertain Significance.